The following is an entry in ClinVar:

ClinVar aggregate classification (germline): Uncertain significance. Review status: criteria provided, multiple submitters, no conflicts (2 of 4 stars). 4 submissions from 4 submitters: Uncertain significance (4). Last evaluated 2023-04-11.

Conditions:
MHC class II deficiency. Also called: Bare lymphocyte syndrome 2; BLS, TYPE II. Identifiers: Orphanet 572, MedGen C5447452, MONDO:0008855.

Allele frequency attached by ClinVar (database versions not stated): gnomAD exomes 0.00001; TOPMed 0.00003.
gnomAD v4.1: 23 of 1,612,122 alleles (0.0014%); highest among the groups gnomAD compares: African/African-American, 0.0027%; no homozygotes.

Submissions (4):

Genome-Nilou Lab
Classification: Uncertain significance for MHC class II deficiency 1. Last evaluated: 2023-04-11. Review status: criteria provided, single submitter. Criteria: ACMG Guidelines, 2015. Collection method: clinical testing. Allele origin: germline. Affected: no.

Ambry Genetics
Classification: Uncertain significance. Last evaluated: 2022-08-01. Review status: criteria provided, single submitter. Criteria: Ambry Variant Classification Scheme 2023. Collection method: clinical testing. Allele origin: germline.

Labcorp Genetics (formerly Invitae), Labcorp
Classification: Uncertain significance for MHC class II deficiency. Last evaluated: 2022-07-06. Review status: criteria provided, single submitter. Criteria: Invitae Variant Classification Sherloc (09022015). Collection method: clinical testing. Allele origin: germline.
Comment: This sequence change replaces arginine, which is basic and polar, with glutamine, which is neutral and polar, at codon 335 of the RFX5 protein (p.Arg335Gln). This variant is present in population databases (rs759307276, gnomAD 0.005%). This variant has not been reported in the literature in individuals affected with RFX5-related conditions. ClinVar contains an entry for this variant (Variation ID: 858683). Algorithms developed to predict the effect of missense changes on protein structure and function are either unavailable or do not agree on the potential impact of this missense change (SIFT: "Tolerated"; PolyPhen-2: "Probably Damaging"; Align-GVGD: "Class C0"). Algorithms developed to predict the effect of sequence changes on RNA splicing suggest that this variant may create or strengthen a splice site. In summary, the available evidence is currently insufficient to determine the role of this variant in disease. Therefore, it has been classified as a Variant of Uncertain Significance.

Blueprint Genetics
Classification: Uncertain significance. Last evaluated: 2018-06-08. Review status: criteria provided, single submitter. Criteria: ACMG Guidelines, 2015. Collection method: clinical testing. Allele origin: germline.

NM_001025603.2(RFX5):c.1004G>A (p.Arg335Gln)

Gene: RFX5 (regulatory factor X5; minus strand). Cytogenetic location: 1q21.3.
Variant type: single nucleotide variant.
Coding change: c.1004G>A on transcript NM_001025603.2 (MANE Select); coding-DNA position 1004, G replaced by A.
Protein change: p.Arg335Gln; replaces arginine 335 with glutamine.
Molecular consequence: missense variant.
Genome position (GRCh38, 1-based): chr1:151,343,033, C>T on the plus strand (G>A on the coding strand, the complement: RFX5 is on the minus strand). VCF-style: chr1-151343033-C-T. GRCh37 (hg19) VCF-style: chr1-151315509-C-T.
Other names: c.1004G>A, p.Arg335Gln (NM_000449.4, NM_001379412.1, NM_001379413.1 and 5 more transcripts); c.884G>A, p.Arg295Gln (NM_001379419.1, NM_001379420.1); short protein forms R335Q, R295Q.
Identifiers: ClinVar variation 858683 (VCV000858683.9), dbSNP rs759307276, ClinGen allele CA29558648.